The following is an entry in ClinVar:

ClinVar aggregate classification (germline): Likely pathogenic (1 of 4 stars; one submission).

Conditions:
Argininosuccinate lyase deficiency. Also called: Argininosuccinic aciduria; ARGININOSUCCINIC ACID LYASE DEFICIENCY; ASL DEFICIENCY. Identifiers: Orphanet 23, MedGen C0268547, MONDO:0008815, OMIM 207900, HP:0025630.

Submission:

Myriad Genetics, Inc.
Classification: Likely pathogenic for Argininosuccinate lyase deficiency. Last evaluated: 2019-12-28. Review status: criteria provided, single submitter. Criteria: Myriad Women's Health Autosomal Recessive and X-Linked Classification Criteria (2019). Collection method: clinical testing. Allele origin: unknown.
Comment: NM_001024943.1(ASL):c.256G>T(E86*) is expected to be pathogenic in the context of argininosuccinic aciduria. This variant is predicted to lead to an abnormal or absent protein product due to the creation of a premature termination codon in ASL, a gene where loss-of-function variants are known to be pathogenic. Please note: this variant was assessed in the context of healthy population screening.

NM_000048.4(ASL):c.256G>T (p.Glu86Ter)

Gene: ASL (argininosuccinate lyase; plus strand). Cytogenetic location: 7q11.21.
Variant type: single nucleotide variant.
Coding change: c.256G>T on transcript NM_000048.4 (MANE Select); coding-DNA position 256, G replaced by T.
Protein change: p.Glu86Ter; replaces glutamic acid 86 with a stop codon.
Molecular consequence: nonsense.
Genome position (GRCh38, 1-based): chr7:66,082,416, G>T. VCF-style: chr7-66082416-G-T. GRCh37 (hg19) VCF-style: chr7-65547403-G-T.
Other names: c.256G>T, p.Glu86Ter (NM_001024943.2, NM_001024944.2, NM_001024946.2); short protein forms E86*.
Identifiers: ClinVar variation 984300 (VCV000984300.3), dbSNP rs1786532924, ClinGen allele CA367638955.